The following is an entry in ClinVar:

ClinVar aggregate classification (germline): Uncertain significance. Review status: criteria provided, multiple submitters, no conflicts (2 of 4 stars). 3 submissions from 3 submitters: Uncertain significance (3). Last evaluated 2025-05-24.

Conditions:
Cardiovascular phenotype. Identifiers: MedGen CN230736.
Long QT syndrome (LQTS). Identifiers: MedGen C0023976, MeSH D008133, MONDO:0002442. Disease mechanism: loss of function. Inheritance: Various modes of inheritance.
Cardiac arrhythmia, ankyrin-B-related. Also called: ANKYRIN-B SYNDROME. Identifiers: Orphanet 101016, Orphanet 768, MedGen C1970119, MONDO:0010958, OMIM 600919.

Allele frequency attached by ClinVar (database versions not stated): gnomAD exomes below 0.00001 and 0.00001; ExAC 0.00001; gnomAD 0.00001; TOPMed 0.00002.
gnomAD v4.1: 6 of 1,614,094 alleles (0.00037%); highest among the groups gnomAD compares: Non-Finnish European, 0.00051%; no homozygotes.

Submissions (3):

Ambry Genetics
Classification: Uncertain significance for Cardiovascular phenotype. Last evaluated: 2025-05-24. Review status: criteria provided, single submitter. Criteria: Ambry Variant Classification Scheme 2023. Collection method: clinical testing. Allele origin: germline.
Comment: The p.S1099R variant (also known as c.3295A>C), located in coding exon 29 of the ANK2 gene, results from an A to C substitution at nucleotide position 3295. The serine at codon 1099 is replaced by arginine, an amino acid with dissimilar properties. This amino acid position is conserved. In addition, this alteration is predicted to be deleterious by in silico analysis. Based on the available evidence, the clinical significance of this variant remains unclear.

Labcorp Genetics (formerly Invitae), Labcorp
Classification: Uncertain significance for Long QT syndrome. Last evaluated: 2024-03-13. Review status: criteria provided, single submitter. Criteria: Invitae Variant Classification Sherloc (09022015). Collection method: clinical testing. Allele origin: germline.
Comment: This sequence change replaces serine, which is neutral and polar, with arginine, which is basic and polar, at codon 1099 of the ANK2 protein (p.Ser1099Arg). This variant is present in population databases (rs779625857, gnomAD 0.002%). This variant has not been reported in the literature in individuals affected with ANK2-related conditions. ClinVar contains an entry for this variant (Variation ID: 1063057). Advanced modeling of protein sequence and biophysical properties (such as structural, functional, and spatial information, amino acid conservation, physicochemical variation, residue mobility, and thermodynamic stability) performed at Invitae indicates that this missense variant is not expected to disrupt ANK2 protein function with a negative predictive value of 80%. In summary, the available evidence is currently insufficient to determine the role of this variant in disease. Therefore, it has been classified as a Variant of Uncertain Significance.

Fulgent Genetics
Classification: Uncertain significance for Cardiac arrhythmia, ankyrin-B-related. Last evaluated: 2021-10-01. Review status: criteria provided, single submitter. Criteria: ACMG Guidelines, 2015. Collection method: clinical testing. Allele origin: unknown.

NM_001148.6(ANK2):c.3295A>C (p.Ser1099Arg)

Gene: ANK2 (ankyrin 2; plus strand). Cytogenetic location: 4q26.
Variant type: single nucleotide variant.
Coding change: c.3295A>C on transcript NM_001148.6 (MANE Select); coding-DNA position 3295, A replaced by C.
Protein change: p.Ser1099Arg; replaces serine 1099 with arginine.
Molecular consequence: missense variant.
Genome position (GRCh38, 1-based): chr4:113,333,124, A>C. VCF-style: chr4-113333124-A-C. GRCh37 (hg19) VCF-style: chr4-114254280-A-C.
Other names: c.3268A>C, p.Ser1090Arg (NM_001127493.3); c.3307A>C, p.Ser1103Arg (NM_001354225.2); c.3196A>C, p.Ser1066Arg (NM_001354228.2, NM_001354258.2); c.3274A>C, p.Ser1092Arg (NM_001354230.2); c.3337A>C, p.Ser1113Arg (NM_001354231.2, NM_001354242.2); c.3331A>C, p.Ser1111Arg (NM_001354232.2); c.3292A>C, p.Ser1098Arg (NM_001354235.2, NM_001354246.2, NM_001354265.2); c.3193A>C, p.Ser1065Arg (NM_001354236.2); and 29 more; short protein forms S1004R, S1012R, S1024R, S1028R, S1032R, S1033R, S1037R, S1045R.
Identifiers: ClinVar variation 1063057 (VCV001063057.7), dbSNP rs779625857, ClinGen allele CA3050819.
Genomic context (GRCh38, chr4:113,333,124, plus strand): 5'-GTGGAGATCCCTCACTTTGCGGCCCTTCGAGGAAAGGAAAGGGAACTGGTGGTCCTGCGC[A>C]GTGAGAATGGGGACAGCTGGAAAGAGCATTTCTGTGACTACACTGAAGATGAATTGAATG-3'
Protein context (NP_001139.3, residues 1089-1109): GKERELVVLR[Ser1099Arg]ENGDSWKEHF